The following is an entry in ClinVar:

NM_004104.5(FASN):c.1103C>T (p.Ala368Val)

Gene: FASN (fatty acid synthase; minus strand). Cytogenetic location: 17q25.3.
Variant type: single nucleotide variant.
Coding change: c.1103C>T on transcript NM_004104.5 (MANE Select); coding-DNA position 1103, C replaced by T.
Protein change: p.Ala368Val; replaces alanine 368 with valine.
Molecular consequence: missense variant.
Genome position (GRCh38, 1-based): chr17:82,091,611, G>A on the plus strand (C>T on the coding strand, the complement: FASN is on the minus strand). VCF-style: chr17-82091611-G-A. GRCh37 (hg19) VCF-style: chr17-80049487-G-A.
Other names: c.1103C>T (NM_004104.4); short protein forms A368V.
Identifiers: ClinVar variation 1437946 (VCV001437946.10), dbSNP rs755581604, ClinGen allele CA8853247.
Genomic context (GRCh38, chr17:82,091,611, plus strand): 5'-ACGTTGCCGCCACGGACGGGCAGGGGCTGGTCCACCACCTGCAGCCGCCCATCCAACAGC[G>A]CTGGGATCTCAGGGTTGGGGCTATGGAAGTGCAGGTTGGGGGCCCAGAGCCCGTGCTCCA-3'
Protein context (NP_004095.4, residues 358-378): HFHSPNPEIP[Ala368Val]LLDGRLQVVD

ClinVar aggregate classification (germline): Uncertain significance. Review status: criteria provided, multiple submitters, no conflicts (2 of 4 stars). 2 submissions from 2 submitters: Uncertain significance (2). Last evaluated 2025-10-02.

Conditions:
Epileptic encephalopathy. Identifiers: MedGen C0543888, HP:0200134.

Allele frequency attached by ClinVar (database versions not stated): TOPMed below 0.00001; gnomAD 0.00001; gnomAD exomes 0.00001; ExAC 0.00002.
gnomAD v4.1: 12 of 1,594,060 alleles (0.00075%); highest among the groups gnomAD compares: Admixed American, 0.0018%; no homozygotes.

Submissions (2):

Ambry Genetics
Classification: Uncertain significance. Last evaluated: 2025-10-02. Review status: criteria provided, single submitter. Criteria: Ambry Variant Classification Scheme 2023. Collection method: clinical testing. Allele origin: germline.

Labcorp Genetics (formerly Invitae), Labcorp
Classification: Uncertain significance for Epileptic encephalopathy. Last evaluated: 2025-01-06. Review status: criteria provided, single submitter. Criteria: Invitae Variant Classification Sherloc (09022015). Collection method: clinical testing. Allele origin: germline.
Comment: This sequence change replaces alanine, which is neutral and non-polar, with valine, which is neutral and non-polar, at codon 368 of the FASN protein (p.Ala368Val). This variant is present in population databases (rs755581604, gnomAD 0.003%). This variant has not been reported in the literature in individuals affected with FASN-related conditions. ClinVar contains an entry for this variant (Variation ID: 1437946). An algorithm developed to predict the effect of missense changes on protein structure and function (PolyPhen-2) suggests that this variant is likely to be tolerated. In summary, the available evidence is currently insufficient to determine the role of this variant in disease. Therefore, it has been classified as a Variant of Uncertain Significance.